The following is an entry in ClinVar:

ClinVar aggregate classification (germline): Uncertain significance (1 of 4 stars; one submission).

Submission:

GeneDx
Classification: Uncertain significance. Last evaluated: 2024-12-31. Review status: criteria provided, single submitter. Criteria: GeneDx Variant Classification Process June 2021. Collection method: clinical testing. Allele origin: germline. Affected: yes.
Comment: Not observed at significant frequency in large population cohorts (gnomAD); In silico analysis supports that this missense variant has a deleterious effect on protein structure/function; Has not been previously published as pathogenic or benign to our knowledge

NM_017433.5(MYO3A):c.410G>T (p.Gly137Val)

Gene: MYO3A (myosin IIIA; plus strand). Cytogenetic location: 10p12.1.
Variant type: single nucleotide variant.
Coding change: c.410G>T on transcript NM_017433.5 (MANE Select); coding-DNA position 410, G replaced by T.
Protein change: p.Gly137Val; replaces glycine 137 with valine.
Molecular consequence: missense variant.
Genome position (GRCh38, 1-based): chr10:25,997,160, G>T. VCF-style: chr10-25997160-G-T. GRCh37 (hg19) VCF-style: chr10-26286089-G-T.
Other names: c.410G>T, p.Gly137Val (NM_001368265.1); short protein forms G137V.
Identifiers: ClinVar variation 3907924 (VCV003907924.1).